The following is an entry in ClinVar:

NM_000046.5(ARSB):c.1533del (p.Val512fs)

Gene: ARSB (arylsulfatase B; minus strand). Cytogenetic location: 5q14.1.
Variant type: Deletion.
Coding change: c.1533del on transcript NM_000046.5 (MANE Select); coding-DNA position 1533, one base deleted (C; older notation c.1533delC).
Protein change: p.Val512fs; shifts the reading frame from valine 512.
Molecular consequence: frameshift variant.
Genome position (GRCh38, 1-based): chr5:78,780,466, G deleted on the plus strand (C on the coding strand, the reverse complement: ARSB is on the minus strand); the first of 4 consecutive G bases (chr5:78,780,466-78,780,469); deleting any one gives the same sequence. VCF-style (leftmost placement, unchanged base first): chr5-78780465-CG-C. GRCh37 (hg19) VCF-style: chr5-78076288-CG-C.
Other names: short protein forms V512fs.
Identifiers: ClinVar variation 2754155 (VCV002754155.3), dbSNP rs758712442, ClinGen allele CA3317965.
Genomic context (GRCh38, chr5:78,780,465, plus strand): 5'-AAGGGCCCCACACCCCAGTGGCCTTGGGATCACAGCGGGGGTCCTGTGCAGGGAAGTACA[CG>C]GGGACTGAGTGTTTATGGTAGAACTGTAGGCGGGACAGGAGCTTTGTGACGATGTGAGGA-3'

ClinVar aggregate classification (germline): Pathogenic (1 of 4 stars; one submission).

Conditions:
Mucopolysaccharidosis type 6 (MPS6). Also called: ARSB DEFICIENCY; ARYLSULFATASE B DEFICIENCY; MPS VI; MPS 6; Maroteaux Lamy syndrome; N-ACETYLGALACTOSAMINE-4-SULFATASE DEFICIENCY. Identifiers: Orphanet 583, MedGen C0026709, MONDO:0009661, OMIM 253200.

Submission:

Labcorp Genetics (formerly Invitae), Labcorp
Classification: Pathogenic for Mucopolysaccharidosis type 6. Last evaluated: 2023-09-12. Review status: criteria provided, single submitter. Criteria: Invitae Variant Classification Sherloc (09022015). Collection method: clinical testing. Allele origin: germline.
Comment: For these reasons, this variant has been classified as Pathogenic. This variant results in an extension of the ARSB protein. Other variant(s) that result in a similarly extended protein product (p.Thr526Metfs*48) have been determined to be pathogenic (PMID: 8116615, 24677745). This suggests that these extensions are likely to be disease-causing. This variant has not been reported in the literature in individuals affected with ARSB-related conditions. This variant is present in population databases (rs758712442, gnomAD 0.006%). This sequence change results in a frameshift in the ARSB gene (p.Val512Cysfs*62). While this is not anticipated to result in nonsense mediated decay, it is expected to disrupt the last 22 amino acid(s) of the ARSB protein and extend the protein by 39 additional amino acid residues.

Literature cited by the submitters: PubMed 8116615; PubMed 24677745.